The following is an entry in ClinVar:

NM_000066.4(C8B):c.1093dup (p.Met365fs)

Gene: C8B (complement C8 beta chain; minus strand). Cytogenetic location: 1p32.2.
Variant type: Duplication.
Coding change: c.1093dup on transcript NM_000066.4 (MANE Select); coding-DNA position 1093, one base duplicated (A; older notation c.1093dupA).
Protein change: p.Met365fs; shifts the reading frame from methionine 365.
Molecular consequence: frameshift variant.
Genome position (GRCh38, 1-based): chr1:56,945,833, T duplicated on the plus strand (A on the coding strand, the reverse complement: C8B is on the minus strand). VCF-style (leftmost placement, unchanged base first): chr1-56945832-A-AT. GRCh37 (hg19) VCF-style: chr1-57411505-A-AT.
Other names: c.937dup, p.Met313fs (NM_001278543.2); c.907dup, p.Met303fs (NM_001278544.2); short protein forms M303fs, M313fs, M365fs.
Identifiers: ClinVar variation 2693317 (VCV002693317.3), dbSNP rs2522731492, ClinGen allele CA2697552440.

ClinVar aggregate classification (germline): Pathogenic (1 of 4 stars; one submission).

Submission:

Labcorp Genetics (formerly Invitae), Labcorp
Classification: Pathogenic. Last evaluated: 2023-11-19. Review status: criteria provided, single submitter. Criteria: Invitae Variant Classification Sherloc (09022015). Collection method: clinical testing. Allele origin: germline.
Comment: This sequence change creates a premature translational stop signal (p.Met365Asnfs*9) in the C8B gene. It is expected to result in an absent or disrupted protein product. Loss-of-function variants in C8B are known to be pathogenic (PMID: 7594510). This variant is not present in population databases (gnomAD no frequency). This variant has not been reported in the literature in individuals affected with C8B-related conditions. For these reasons, this variant has been classified as Pathogenic.

Literature cited by the submitters: PubMed 7594510.